The following continues an entry in ClinVar:

NM_002834.5(PTPN11):c.214G>T (p.Ala72Ser)

Gene: PTPN11. ClinVar aggregate classification (germline): Pathogenic. Pathogenic (17).

Submissions 18 to 21 of 21:

OMIM
Classification: Pathogenic for NOONAN SYNDROME 1. Last evaluated: 2002-08-01. Review status: no assertion criteria provided. Collection method: literature only. Allele origin: germline. Not counted in ClinVar's aggregate classification.

Baylor Genetics
Classification: Pathogenic for Rasopathy. Review status: no assertion criteria provided. Collection method: clinical testing. Allele origin: unknown. Affected: yes. Not counted in ClinVar's aggregate classification.
Comment: Variant classified using ACMG guidelines

Joint Genome Diagnostic Labs from Nijmegen and Maastricht, Radboudumc and MUMC+
Classification: Pathogenic. Review status: no assertion criteria provided. Collection method: clinical testing. Allele origin: germline. Affected: yes. Study: VKGL Data-share Consensus. Not counted in ClinVar's aggregate classification.

Laboratory of Diagnostic Genome Analysis, Leiden University Medical Center (LUMC)
Classification: Pathogenic. Review status: no assertion criteria provided. Collection method: clinical testing. Allele origin: germline. Affected: yes. Study: VKGL Data-share Consensus. Not counted in ClinVar's aggregate classification.

Literature cited by the submitters: PubMed 11704759 (cited by 7 submitters); PubMed 12161469 (cited by 6 submitters); PubMed 14974085 (cited by 4 submitters); PubMed 15001945 (cited by Ambry Genetics and Laboratory for Molecular Medicine, Mass General Brigham Personalized Medicine); PubMed 16263833 (cited by Ambry Genetics and Laboratory for Molecular Medicine, Mass General Brigham Personalized Medicine); PubMed 18759865 (cited by Ambry Genetics); PubMed 25742478 (cited by Ambry Genetics); PubMed 30541462 (cited by Ambry Genetics); PubMed 31040167 (cited by Ambry Genetics); PubMed 32164556 (cited by Ambry Genetics); PubMed 33794220 (cited by Ambry Genetics); PubMed 35979676 (cited by Ambry Genetics); PubMed 36566191 (cited by Ambry Genetics); PubMed 38958480 (cited by Ambry Genetics); PubMed 39596579 (cited by Ambry Genetics); PubMed 17339163 (cited by Labcorp Genetics (formerly Invitae), Labcorp and Laboratory for Molecular Medicine, Mass General Brigham Personalized Medicine); PubMed 18678287 (cited by Labcorp Genetics (formerly Invitae), Labcorp); PubMed 26918529 (cited by Labcorp Genetics (formerly Invitae), Labcorp); PubMed 16399795 (cited by Labcorp Genetics (formerly Invitae), Labcorp and Laboratory for Molecular Medicine, Mass General Brigham Personalized Medicine); PubMed 12634870 (cited by Illumina Laboratory Services, Illumina and Laboratory for Molecular Medicine, Mass General Brigham Personalized Medicine); PubMed 18562489 (cited by Illumina Laboratory Services, Illumina and Laboratory for Molecular Medicine, Mass General Brigham Personalized Medicine); PubMed 32059087 (cited by Illumina Laboratory Services, Illumina); PubMed 16358218 (cited by Women's Health and Genetics/Laboratory Corporation of America, LabCorp and Laboratory for Molecular Medicine, Mass General Brigham Personalized Medicine); PubMed 22781091 (cited by Women's Health and Genetics/Laboratory Corporation of America, LabCorp); PubMed 17177198 (cited by Women's Health and Genetics/Laboratory Corporation of America, LabCorp and Laboratory for Molecular Medicine, Mass General Brigham Personalized Medicine); PubMed 16631468 (cited by Laboratory for Molecular Medicine, Mass General Brigham Personalized Medicine); PubMed 14961557 (cited by Laboratory for Molecular Medicine, Mass General Brigham Personalized Medicine); PubMed 19737548 (cited by Laboratory for Molecular Medicine, Mass General Brigham Personalized Medicine).